The following is an entry in ClinVar:

NM_013266.4(CTNNA3):c.517A>G (p.Thr173Ala)

Gene: CTNNA3 (catenin alpha 3; minus strand). Cytogenetic location: 10q21.3.
Variant type: single nucleotide variant.
Coding change: c.517A>G on transcript NM_013266.4 (MANE Select); coding-DNA position 517, A replaced by G.
Protein change: p.Thr173Ala; replaces threonine 173 with alanine.
Molecular consequence: missense variant.
Genome position (GRCh38, 1-based): chr10:67,521,904, T>C on the plus strand (A>G on the coding strand, the complement: CTNNA3 is on the minus strand). VCF-style: chr10-67521904-T-C. GRCh37 (hg19) VCF-style: chr10-69281662-T-C.
Other names: c.517A>G, p.Thr173Ala (NM_001127384.3); c.553A>G, p.Thr185Ala (NM_001291133.2); short protein forms T173A, T185A.
Identifiers: ClinVar variation 1023278 (VCV001023278.8), dbSNP rs1839999331, ClinGen allele CA377097561.

ClinVar aggregate classification (germline): Uncertain significance (1 of 4 stars; one submission).

Conditions:
Arrhythmogenic right ventricular dysplasia 13. Also called: ARRHYTHMOGENIC RIGHT VENTRICULAR CARDIOMYOPATHY 13; Arrhythmogenic right ventricular dysplasia, familial, 13. Identifiers: MedGen C3810138, MONDO:0000908, OMIM 615616.

Allele frequency attached by ClinVar (database versions not stated): gnomAD exomes below 0.00001.
gnomAD v4.1: 4 of 1,612,922 alleles (0.00025%); highest among the groups gnomAD compares: South Asian, 0.0044%; no homozygotes.

Submission:

Labcorp Genetics (formerly Invitae), Labcorp
Classification: Uncertain significance for Arrhythmogenic right ventricular dysplasia 13. Last evaluated: 2020-10-07. Review status: criteria provided, single submitter. Criteria: Invitae Variant Classification Sherloc (09022015). Collection method: clinical testing. Allele origin: germline.
Comment: In summary, the available evidence is currently insufficient to determine the role of this variant in disease. Therefore, it has been classified as a Variant of Uncertain Significance. Algorithms developed to predict the effect of missense changes on protein structure and function output the following: SIFT: "Tolerated"; PolyPhen-2: "Benign"; Align-GVGD: "Class C0". The alanine amino acid residue is found in multiple mammalian species, suggesting that this missense change does not adversely affect protein function. These predictions have not been confirmed by published functional studies and their clinical significance is uncertain. This variant has not been reported in the literature in individuals with CTNNA3-related conditions. This variant is not present in population databases (ExAC no frequency). This sequence change replaces threonine with alanine at codon 173 of the CTNNA3 protein (p.Thr173Ala). The threonine residue is moderately conserved and there is a small physicochemical difference between threonine and alanine.